The following is an entry in ClinVar:

NM_000260.4(MYO7A):c.1211G>A (p.Gly404Glu)

Gene: MYO7A (myosin VIIA; plus strand). Cytogenetic location: 11q13.5.
Variant type: single nucleotide variant.
Coding change: c.1211G>A on transcript NM_000260.4 (MANE Select); coding-DNA position 1211, G replaced by A.
Protein change: p.Gly404Glu; replaces glycine 404 with glutamic acid.
Molecular consequence: missense variant.
Genome position (GRCh38, 1-based): chr11:77,160,983, G>A. VCF-style: chr11-77160983-G-A. GRCh37 (hg19) VCF-style: chr11-76872029-G-A.
Other names: c.1211G>A, p.Gly404Glu (NM_001127180.2); c.1178G>A, p.Gly393Glu (NM_001369365.1); short protein forms G393E, G404E.
Identifiers: ClinVar variation 1064989 (VCV001064989.3), dbSNP rs973746837, ClinGen allele CA224830856.

ClinVar aggregate classification (germline): Likely pathogenic (1 of 4 stars; one submission).

Conditions:
Hearing impairment. Also called: Impaired Hearing. Identifiers: MedGen C1384666, MONDO:0005365, HP:0000365.

gnomAD v4.1: 2 of 1,604,576 alleles (0.00012%); highest among the groups gnomAD compares: Non-Finnish European, 0.00017%; no homozygotes.

Submission:

Department of Otolaryngology – Head & Neck Surgery, Cochlear Implant Center
Classification: Likely pathogenic for Hearing impairment. Last evaluated: 2021-04-12. Review status: criteria provided, single submitter. Criteria: ClinGen HL ACMG Specifications v1. Collection method: clinical testing. Allele origin: germline. Affected: yes.
Comment: PM2_Strong, PP1_Moderate, PP3_Supporting